The following is an entry in ClinVar:

NM_002227.4(JAK1):c.2843-4A>G

Gene: JAK1 (Janus kinase 1; minus strand). Cytogenetic location: 1p31.3.
Variant type: single nucleotide variant.
Coding change: c.2843-4A>G on transcript NM_002227.4 (MANE Select); 4 bases into the intron before coding-DNA position 2843, A replaced by G.
Molecular consequence: intron variant.
Genome position (GRCh38, 1-based): chr1:64,838,593, T>C on the plus strand (A>G on the coding strand, the complement: JAK1 is on the minus strand). VCF-style: chr1-64838593-T-C. GRCh37 (hg19) VCF-style: chr1-65304276-T-C.
Other names: c.2843-4A>G (NM_001321852.2, NM_001321854.2, NM_001321853.2 and 3 more transcripts); c.2840-4A>G (NM_001321857.2).
Identifiers: ClinVar variation 1404246 (VCV001404246.8), dbSNP rs1403174897, ClinGen allele CA737905769.

ClinVar aggregate classification (germline): Uncertain significance (1 of 4 stars; one submission).

Submission:

Labcorp Genetics (formerly Invitae), Labcorp
Classification: Uncertain significance. Last evaluated: 2022-07-06. Review status: criteria provided, single submitter. Criteria: Invitae Variant Classification Sherloc (09022015). Collection method: clinical testing. Allele origin: germline.
Comment: In summary, the available evidence is currently insufficient to determine the role of this variant in disease. Therefore, it has been classified as a Variant of Uncertain Significance. This variant is not present in population databases (gnomAD no frequency). Algorithms developed to predict the effect of sequence changes on RNA splicing suggest that this variant may create or strengthen a splice site. ClinVar contains an entry for this variant (Variation ID: 1404246). This variant has not been reported in the literature in individuals affected with JAK1-related conditions. This sequence change falls in intron 20 of the JAK1 gene. It does not directly change the encoded amino acid sequence of the JAK1 protein.